The following is an entry in ClinVar:

ClinVar aggregate classification (germline): Uncertain significance. Review status: criteria provided, multiple submitters, no conflicts (2 of 4 stars). 3 submissions from 3 submitters: Uncertain significance (3). Last evaluated 2025-08-14.

Conditions:
Cardiovascular phenotype. Identifiers: MedGen CN230736.
Cardiomyopathy (CMYO). Also called: Cardiomyopathies. Identifiers: Orphanet 167848, MedGen C0878544, MONDO:0004994, HP:0001638. Inheritance: Various modes of inheritance.
Arrhythmogenic right ventricular dysplasia 8 (ARVD8). Also called: ARRHYTHMOGENIC RIGHT VENTRICULAR DYSPLASIA, FAMILIAL, 8; ARRHYTHMOGENIC RIGHT VENTRICULAR CARDIOMYOPATHY 8; Arrhythmogenic Right Ventricular Dysplasia/Cardiomyopathy 8. Identifiers: MedGen C1843896, MONDO:0011831, OMIM 607450.
Arrhythmogenic cardiomyopathy with wooly hair and keratoderma. Also called: PALMOPLANTAR KERATODERMA WITH LEFT VENTRICULAR CARDIOMYOPATHY AND WOOLLY HAIR; Carvajal syndrome; Arrhythmogenic cardiomyopathy with woolly hair and keratoderma; Dilated cardiomyopathy with woolly hair and keratoderma. Identifiers: Orphanet 65282, MedGen C1854063, MONDO:0011581, OMIM 605676.

Allele frequency attached by ClinVar (database versions not stated): TOPMed below 0.00001.

Submissions (3):

Color Diagnostics, LLC DBA Color Health
Classification: Uncertain significance for Cardiomyopathy. Last evaluated: 2025-08-14. Review status: criteria provided, single submitter. Criteria: ACMG Guidelines, 2015. Collection method: clinical testing. Allele origin: germline.
Comment: This missense variant replaces methionine with threonine at codon 2573 of the DSP protein. Computational prediction suggests that this variant may not impact protein structure and function. To our knowledge, functional studies have not been reported for this variant. This variant has not been reported in individuals affected with DSP-related disorders in the literature. This variant has not been identified in the general population by the Genome Aggregation Database (gnomAD). The available evidence is insufficient to determine the role of this variant in disease conclusively. Therefore, this variant is classified as a Variant of Uncertain Significance.

Labcorp Genetics (formerly Invitae), Labcorp
Classification: Uncertain significance for Arrhythmogenic cardiomyopathy with wooly hair and keratoderma; Arrhythmogenic right ventricular dysplasia 8. Last evaluated: 2023-08-17. Review status: criteria provided, single submitter. Criteria: Invitae Variant Classification Sherloc (09022015). Collection method: clinical testing. Allele origin: germline.
Comment: In summary, the available evidence is currently insufficient to determine the role of this variant in disease. Therefore, it has been classified as a Variant of Uncertain Significance. Algorithms developed to predict the effect of missense changes on protein structure and function output the following: SIFT: "Not Available"; PolyPhen-2: "Benign"; Align-GVGD: "Not Available". The threonine amino acid residue is found in multiple mammalian species, which suggests that this missense change does not adversely affect protein function. ClinVar contains an entry for this variant (Variation ID: 1493122). This variant has not been reported in the literature in individuals affected with DSP-related conditions. This variant is not present in population databases (gnomAD no frequency). This sequence change replaces methionine, which is neutral and non-polar, with threonine, which is neutral and polar, at codon 2573 of the DSP protein (p.Met2573Thr).

Ambry Genetics
Classification: Uncertain significance for Cardiovascular phenotype. Last evaluated: 2021-07-08. Review status: criteria provided, single submitter. Criteria: Ambry Variant Classification Scheme 2023. Collection method: clinical testing. Allele origin: germline.
Comment: The p.M2573T variant (also known as c.7718T>C), located in coding exon 24 of the DSP gene, results from a T to C substitution at nucleotide position 7718. The methionine at codon 2573 is replaced by threonine, an amino acid with similar properties. This amino acid position is conserved. In addition, this alteration is predicted to be tolerated by in silico analysis. Since supporting evidence is limited at this time, the clinical significance of this alteration remains unclear.

NM_004415.4(DSP):c.7718T>C (p.Met2573Thr)

Gene: DSP (desmoplakin; plus strand). Cytogenetic location: 6p24.3.
Variant type: single nucleotide variant.
Coding change: c.7718T>C on transcript NM_004415.4 (MANE Select); coding-DNA position 7718, T replaced by C.
Protein change: p.Met2573Thr; replaces methionine 2573 with threonine.
Molecular consequence: missense variant.
Genome position (GRCh38, 1-based): chr6:7,584,980, T>C. VCF-style: chr6-7584980-T-C. GRCh37 (hg19) VCF-style: chr6-7585213-T-C.
Other names: c.5921T>C, p.Met1974Thr (NM_001008844.3); c.6389T>C, p.Met2130Thr (NM_001319034.2); short protein forms M2130T, M2573T, M1974T.
Identifiers: ClinVar variation 1493122 (VCV001493122.9), dbSNP rs1759589574, ClinGen allele CA362693629.